The following is an entry in ClinVar:

ClinVar aggregate classification (germline): Pathogenic (1 of 4 stars; one submission).

Conditions:
Primary ciliary dyskinesia. Also called: Ciliary dyskinesia. Identifiers: Orphanet 244, MedGen C0008780, MONDO:0016575, HP:0012265.

Submission:

Labcorp Genetics (formerly Invitae), Labcorp
Classification: Pathogenic for Primary ciliary dyskinesia. Last evaluated: 2023-10-13. Review status: criteria provided, single submitter. Criteria: Invitae Variant Classification Sherloc (09022015). Collection method: clinical testing. Allele origin: germline.
Comment: This sequence change inserts a large fragment of DNA, likely a transposable element, in exon 8 of the CCDC39 gene (c.941_942ins?), causing a frameshift at codon 313 (p.Ser313_Leu314fs). The exact size and sequence of the insertion cannot be determined by the current assay. However, the insertion is expected to result in an absent or disrupted protein product. This variant is not present in population databases (gnomAD no frequency). This variant has not been reported in the literature in individuals affected with CCDC39-related conditions. ClinVar contains an entry for this variant (Variation ID: 2027682). Retrotransposon insertions including LINE1 (L1), Alu, and SVA (SINE-VNTR-Alu) have been reported to be disease-causing through disruption of either a coding region or splice site (PMID: 19763152, 20307669, 22406018) and loss-of-function variants in CCDC39 are known to be pathogenic (PMID: 21131972, 23255504). For these reasons, this variant has been classified as Pathogenic.

Literature cited by the submitters: PubMed 19763152; PubMed 20307669; PubMed 22406018; PubMed 21131972; PubMed 23255504.

NC_000003.12:g.180652267_180652268insGGCCGGGCGCGGTGGCTCACGCCTGTAATCCCAGCACTTTGGGAGGCCGAGGCGGGTGGATCATGAGGTCAGNNNNNNNNNNAAAAAAAAAAAAAAAAAAAAAAAGAATCCAGC

Gene: CCDC39 (coiled-coil domain 39 molecular ruler complex subunit; minus strand). Cytogenetic location: 3q26.33.
Variant type: Insertion.
Genome position: GRCh38: chr3:180,652,267-180,652,268. GRCh37 (hg19): chr3:180,370,055-180,370,056.
Identifiers: ClinVar variation 2027682 (VCV002027682.4), dbSNP rs2473814576.